The following is an entry in ClinVar:

ClinVar aggregate classification (germline): Benign/Likely benign. Review status: criteria provided, multiple submitters, no conflicts (2 of 4 stars). 3 submissions from 3 submitters: Benign (1); Likely benign (2). Last evaluated 2025-07-31.

Conditions:
Hereditary cancer-predisposing syndrome. Also called: Tumor predisposition; Neoplastic Syndromes, Hereditary; Hereditary Cancer Syndrome; Hereditary neoplastic syndrome. Identifiers: Orphanet 140162, MedGen C0027672, MeSH D009386, MONDO:0015356.
Pheochromocytoma/paraganglioma syndrome 5. Also called: Paragangliomas 5; SDHA-Related Hereditary Paraganglioma-Pheochromocytoma Syndrome. Identifiers: Orphanet 29072, MedGen C3279992, MONDO:0013602, OMIM 614165.
Mitochondrial complex II deficiency, nuclear type 1. Also called: SUCCINATE CoQ REDUCTASE DEFICIENCY. Identifiers: Orphanet 3208, MedGen C5700310, MONDO:0100294, OMIM 252011.

Allele frequency attached by ClinVar (database versions not stated): TOPMed below 0.00001.

Submissions (3):

Labcorp Genetics (formerly Invitae), Labcorp
Classification: Likely benign for Pheochromocytoma/paraganglioma syndrome 5; Mitochondrial complex II deficiency, nuclear type 1. Last evaluated: 2025-07-31. Review status: criteria provided, single submitter. Criteria: Invitae Variant Classification Sherloc (09022015). Collection method: clinical testing. Allele origin: germline.

Myriad Genetics, Inc.
Classification: Benign for Pheochromocytoma/paraganglioma syndrome 5. Last evaluated: 2025-02-28. Review status: criteria provided, single submitter. Criteria: Myriad Autosomal Dominant, Autosomal Recessive and X-Linked Classification Criteria (2023). Collection method: clinical testing. Allele origin: unknown.
Comment: This variant is considered benign. This variant is a silent/synonymous amino acid change and it is not expected to impact splicing.

Ambry Genetics
Classification: Likely benign for Hereditary cancer-predisposing syndrome. Last evaluated: 2024-05-27. Review status: criteria provided, single submitter. Criteria: Ambry Variant Classification Scheme 2023. Collection method: clinical testing. Allele origin: germline.

NM_004168.4(SDHA):c.468T>C (p.Tyr156=)

Gene: SDHA (succinate dehydrogenase complex flavoprotein subunit A; plus strand). Cytogenetic location: 5p15.33.
Variant type: single nucleotide variant.
Coding change: c.468T>C on transcript NM_004168.4 (MANE Select); coding-DNA position 468, T replaced by C.
Protein change: p.Tyr156=; no amino-acid change (tyrosine 156 retained).
Molecular consequence: synonymous variant.
Genome position (GRCh38, 1-based): chr5:225,894, T>C. VCF-style: chr5-225894-T-C. GRCh37 (hg19) VCF-style: chr5-226009-T-C.
Other names: c.468T>C (NM_004168.2); c.324T>C, p.Tyr108= (NM_001294332.2); c.468T>C, p.Tyr156= (NM_001330758.2).
Identifiers: ClinVar variation 1158487 (VCV001158487.11), dbSNP rs989318548, ClinGen allele CA112815961.